The following is an entry in ClinVar:

ClinVar aggregate classification (germline): Uncertain significance (1 of 4 stars; one submission).

Allele frequency attached by ClinVar (database versions not stated): gnomAD exomes 0.00001; gnomAD 0.00003 and 0.00004; TOPMed 0.00003.

Submission:

Labcorp Genetics (formerly Invitae), Labcorp
Classification: Uncertain significance. Last evaluated: 2022-09-19. Review status: criteria provided, single submitter. Criteria: Invitae Variant Classification Sherloc (09022015). Collection method: clinical testing. Allele origin: germline.
Comment: This sequence change replaces proline, which is neutral and non-polar, with serine, which is neutral and polar, at codon 697 of the HPS6 protein (p.Pro697Ser). This variant is present in population databases (rs199669368, gnomAD 0.002%). This variant has not been reported in the literature in individuals affected with HPS6-related conditions. ClinVar contains an entry for this variant (Variation ID: 1052008). Advanced modeling of protein sequence and biophysical properties (such as structural, functional, and spatial information, amino acid conservation, physicochemical variation, residue mobility, and thermodynamic stability) performed at Invitae indicates that this missense variant is not expected to disrupt HPS6 protein function. In summary, the available evidence is currently insufficient to determine the role of this variant in disease. Therefore, it has been classified as a Variant of Uncertain Significance.

NM_024747.6(HPS6):c.2089C>T (p.Pro697Ser)

Gene: HPS6 (HPS6 biogenesis of lysosomal organelles complex 2 subunit 3; plus strand). Cytogenetic location: 10q24.32.
Variant type: single nucleotide variant.
Coding change: c.2089C>T on transcript NM_024747.6 (MANE Select); coding-DNA position 2089, C replaced by T.
Protein change: p.Pro697Ser; replaces proline 697 with serine.
Molecular consequence: missense variant.
Genome position (GRCh38, 1-based): chr10:102,067,563, C>T. VCF-style: chr10-102067563-C-T. GRCh37 (hg19) VCF-style: chr10-103827320-C-T.
Other names: short protein forms P697S.
Identifiers: ClinVar variation 1052008 (VCV001052008.4), dbSNP rs199669368, ClinGen allele CA212202357.
Genomic context (GRCh38, chr10:102,067,563, plus strand): 5'-GAGTTTGCCCAGCACCGCCGGCTTGATGCTCACCTCCCCCTCCTTTGCCGCCTGTGCCCA[C>T]CAGAACTGGCTCCAGCTGAGCTCCTGCTTCTACTGAGGACATACCTCCCAGATGAGGTGG-3'
Protein context (NP_079023.2, residues 687-707): HLPLLCRLCP[Pro697Ser]ELAPAELLLL